The following is an entry in ClinVar:

ClinVar aggregate classification (germline): Uncertain significance. Review status: criteria provided, multiple submitters, no conflicts (2 of 4 stars). 2 submissions from 2 submitters: Uncertain significance (2). Last evaluated 2025-12-09.

gnomAD v4.1: 14 of 1,613,746 alleles (0.00087%); highest among the groups gnomAD compares: Admixed American, 0.0033%; no homozygotes.

Submissions (2):

Ambry Genetics
Classification: Uncertain significance. Last evaluated: 2025-12-09. Review status: criteria provided, single submitter. Criteria: Ambry Variant Classification Scheme 2023. Collection method: clinical testing. Allele origin: germline.

Labcorp Genetics (formerly Invitae), Labcorp
Classification: Uncertain significance. Last evaluated: 2025-05-07. Review status: criteria provided, single submitter. Criteria: Invitae Variant Classification Sherloc (09022015). Collection method: clinical testing. Allele origin: germline.
Comment: This sequence change replaces aspartic acid, which is acidic and polar, with asparagine, which is neutral and polar, at codon 528 of the ADGRE2 protein (p.Asp528Asn). This variant is present in population databases (no rsID available, gnomAD 0.0009%). This variant has not been reported in the literature in individuals affected with ADGRE2-related conditions. An algorithm developed to predict the effect of missense changes on protein structure and function (PolyPhen-2) suggests that this variant is likely to be tolerated. In summary, the available evidence is currently insufficient to determine the role of this variant in disease. Therefore, it has been classified as a Variant of Uncertain Significance.

NM_013447.4(ADGRE2):c.1582G>A (p.Asp528Asn)

Gene: ADGRE2 (adhesion G protein-coupled receptor E2; minus strand). Cytogenetic location: 19p13.12.
Variant type: single nucleotide variant.
Coding change: c.1582G>A on transcript NM_013447.4 (MANE Select); coding-DNA position 1582, G replaced by A.
Protein change: p.Asp528Asn; replaces aspartic acid 528 with asparagine.
Molecular consequence: missense variant. On other transcripts: intron variant (1).
Genome position (GRCh38, 1-based): chr19:14,754,962, C>T on the plus strand (G>A on the coding strand, the complement: ADGRE2 is on the minus strand). VCF-style: chr19-14754962-C-T. GRCh37 (hg19) VCF-style: chr19-14865774-C-T.
Other names: c.1435G>A, p.Asp479Asn (NM_152916.2); c.1303G>A, p.Asp435Asn (NM_152917.2); c.1416+692G>A (NM_001271052.1); short protein forms D528N, D435N, D479N.
Identifiers: ClinVar variation 4638225 (VCV004638225.2).